The following is an entry in ClinVar:

ClinVar aggregate classification (germline): Uncertain significance (1 of 4 stars; one submission).

Allele frequency attached by ClinVar (database versions not stated): gnomAD exomes below 0.00001; gnomAD 0.00001; TOPMed 0.00001.
gnomAD v4.1: 5 of 1,613,842 alleles (0.00031%); highest among the groups gnomAD compares: Non-Finnish European, 0.00042%; no homozygotes.

Submission:

CeGaT Center for Human Genetics Tuebingen
Classification: Uncertain significance. Last evaluated: 2023-01-01. Review status: criteria provided, single submitter. Criteria: CeGaT Center For Human Genetics Tuebingen Variant Classification Criteria Version 2. Collection method: clinical testing. Allele origin: germline. Affected: yes. Observed: 1 variant allele.
Comment: TTN: PM2, BP4

NM_001267550.2(TTN):c.12287A>G (p.His4096Arg)

Gene: TTN (titin; minus strand). Cytogenetic location: 2q31.2.
Variant type: single nucleotide variant.
Coding change: c.12287A>G on transcript NM_001267550.2 (MANE Select); coding-DNA position 12287, A replaced by G.
Protein change: p.His4096Arg; replaces histidine 4096 with arginine.
Molecular consequence: missense variant. On other transcripts: intron variant (1).
Genome position (GRCh38, 1-based): chr2:178,740,946, T>C on the plus strand (A>G on the coding strand, the complement: TTN is on the minus strand). VCF-style: chr2-178740946-T-C. GRCh37 (hg19) VCF-style: chr2-179605673-T-C.
Other names: c.11336A>G, p.His3779Arg (NM_001256850.1); c.11198A>G, p.His3733Arg (NM_003319.4); c.11573A>G, p.His3858Arg (NM_133432.3); c.11774A>G, p.His3925Arg (NM_133437.4); c.10361-2586A>G (NM_133378.4); short protein forms H3733R, H3779R, H3858R, H3925R, H4096R.
Identifiers: ClinVar variation 2498855 (VCV002498855.28), dbSNP rs2082376907, ClinGen allele CA349615769.
Genomic context (GRCh38, chr2:178,740,946, plus strand): 5'-GATTGCAATTCCTGAGCTCCCAAAGGAAGCTGACTGCTCAATTCATTGGCTTTAGCAATA[T>C]GCTCATAAGATAGTTGCTGGTTTTCTTCTGTAATTAAAGCAGCTTTCAAAATGGTGTCTT-3'
Protein context (NP_001254479.2, residues 4086-4106): TEENQQLSYE[His4096Arg]IAKANELSSQ